The following is an entry in ClinVar:

NM_001374828.1(ARID1B):c.6545C>T (p.Pro2182Leu)

Gene: ARID1B (AT-rich interaction domain 1B; plus strand). Cytogenetic location: 6q25.3.
Variant type: single nucleotide variant.
Coding change: c.6545C>T on transcript NM_001374828.1 (MANE Select); coding-DNA position 6545, C replaced by T.
Protein change: p.Pro2182Leu; replaces proline 2182 with leucine.
Molecular consequence: missense variant.
Genome position (GRCh38, 1-based): chr6:157,207,317, C>T. VCF-style: chr6-157207317-C-T. GRCh37 (hg19) VCF-style: chr6-157528451-C-T.
Other names: c.6296C>T, p.Pro2099Leu (NM_001346813.1); c.4046C>T, p.Pro1349Leu (NM_001363725.2); c.6425C>T, p.Pro2142Leu (NM_001371656.1, NM_001374820.1); c.6386C>T, p.Pro2129Leu (NM_017519.3); c.6176C>T, p.Pro2059Leu (NM_020732.3); c.5963C>T, p.Pro1988Leu (NM_175863.2); short protein forms P1349L, P1988L, P2059L, P2099L, P2129L, P2142L, P2182L.
Identifiers: ClinVar variation 1878825 (VCV001878825.6), dbSNP rs1451078445, ClinGen allele CA366248519.
Genomic context (GRCh38, chr6:157,207,317, plus strand): 5'-CTTACACGGAAAGCATCTGCTTGCCAATTTTGGATGGCTTGCTGCACTGGATGGTGTGCC[C>T]GTCTGCAGAGGCACAAGATCCCTTTCCAACTGTGGGACCCAACTCGGTCCTGTCGCCTCA-3'
Protein context (NP_001361757.1, residues 2172-2192): LDGLLHWMVC[Pro2182Leu]SAEAQDPFPT

ClinVar aggregate classification (germline): Uncertain significance. Review status: criteria provided, multiple submitters, no conflicts (2 of 4 stars). 3 submissions from 3 submitters: Uncertain significance (3). Last evaluated 2025-08-03.

Conditions:
Inborn genetic diseases. Identifiers: MedGen C0950123, MeSH D030342.

gnomAD v4.1: 14 of 1,613,826 alleles (0.00087%); highest among the groups gnomAD compares: Middle Eastern, 0.033%; 1 homozygote.

Submissions (3):

Labcorp Genetics (formerly Invitae), Labcorp
Classification: Uncertain significance. Last evaluated: 2025-08-03. Review status: criteria provided, single submitter. Criteria: Invitae Variant Classification Sherloc (09022015). Collection method: clinical testing. Allele origin: germline.
Comment: This sequence change replaces proline, which is neutral and non-polar, with leucine, which is neutral and non-polar, at codon 2059 of the ARID1B protein (p.Pro2059Leu). This variant is not present in population databases (gnomAD no frequency). This variant has not been reported in the literature in individuals affected with ARID1B-related conditions. ClinVar contains an entry for this variant (Variation ID: 1878825). Invitae Evidence Modeling of protein sequence and biophysical properties (such as structural, functional, and spatial information, amino acid conservation, physicochemical variation, residue mobility, and thermodynamic stability) has been performed for this missense variant. However, the output from this modeling did not meet the statistical confidence thresholds required to predict the impact of this variant on ARID1B protein function. In summary, the available evidence is currently insufficient to determine the role of this variant in disease. Therefore, it has been classified as a Variant of Uncertain Significance.

GeneDx
Classification: Uncertain significance. Last evaluated: 2023-01-13. Review status: criteria provided, single submitter. Criteria: GeneDx Variant Classification Process June 2021. Collection method: clinical testing. Allele origin: germline. Affected: yes.
Comment: In silico analysis supports that this missense variant has a deleterious effect on protein structure/function; Has not been previously published as pathogenic or benign to our knowledge

Ambry Genetics
Classification: Uncertain significance for Inborn genetic diseases. Last evaluated: 2022-02-23. Review status: criteria provided, single submitter. Criteria: Ambry Variant Classification Scheme 2023. Collection method: clinical testing. Allele origin: germline.
Comment: The c.6176C>T (p.P2059L) alteration is located in exon 20 (coding exon 20) of the ARID1B gene. This alteration results from a C to T substitution at nucleotide position 6176, causing the proline (P) at amino acid position 2059 to be replaced by a leucine (L). This variant was not reported in population-based cohorts in the Genome Aggregation Database (gnomAD). This amino acid position is highly conserved in available vertebrate species. The in silico prediction for this alteration is inconclusive. Based on insufficient or conflicting evidence, the clinical significance of this alteration remains unclear.